The following is an entry in ClinVar:

NM_004738.5(VAPB):c.212-139T>G

Gene: VAPB (VAMP associated protein B and C; plus strand). Cytogenetic location: 20q13.32.
Variant type: single nucleotide variant.
Coding change: c.212-139T>G on transcript NM_004738.5 (MANE Select); 139 bases into the intron before coding-DNA position 212, T replaced by G.
Molecular consequence: intron variant.
Genome position (GRCh38, 1-based): chr20:58,434,463, T>G. VCF-style: chr20-58434463-T-G. GRCh37 (hg19) VCF-style: chr20-57009519-T-G.
Other names: c.212-9614T>G (NM_001195677.2).
Identifiers: ClinVar variation 4883697 (VCV004883697.2).

ClinVar aggregate classification (germline): Uncertain significance (1 of 4 stars; one submission).

gnomAD v4.1: 1 of 671,796 alleles (0.00015%); highest among the groups gnomAD compares: Non-Finnish European, 0.00027%; no homozygotes.

Submission:

Dasa
Classification: Uncertain significance. Last evaluated: 2026-04-22. Review status: criteria provided, single submitter. Criteria: DASA Assertion Criteria. Collection method: clinical testing. Allele origin: germline.
Comment: NM_004738.5(VAPB):c.212-139T>G is an intronic variant. This variant is rare in population databases. The currently available literature and clinical evidence are not sufficient to establish a definitive association between this variant and the reported condition. Therefore, this variant is classified as a variant of uncertain significance.